The following is an entry in ClinVar:

NM_000026.4(ADSL):c.1090G>A (p.Val364Met)

Gene: ADSL (adenylosuccinate lyase; plus strand). Cytogenetic location: 22q13.1.
Variant type: single nucleotide variant.
Coding change: c.1090G>A on transcript NM_000026.4 (MANE Select); coding-DNA position 1090, G replaced by A.
Protein change: p.Val364Met; replaces valine 364 with methionine.
Molecular consequence: missense variant. On other transcripts: non-coding transcript variant (1).
Genome position (GRCh38, 1-based): chr22:40,363,060, G>A. VCF-style: chr22-40363060-G-A. GRCh37 (hg19) VCF-style: chr22-40759064-G-A.
Other names: c.1090G>A, p.Val364Met (NM_001123378.3, NM_001363840.3); c.898G>A, p.Val300Met (NM_001317923.2); short protein forms V300M, V364M.
Identifiers: ClinVar variation 1474309 (VCV001474309.7), dbSNP rs370851726, ClinGen allele CA10247905.

ClinVar aggregate classification (germline): Likely pathogenic. Review status: criteria provided, multiple submitters, no conflicts (2 of 4 stars). 2 submissions from 2 submitters: Likely pathogenic (2). Last evaluated 2025-12-26.

Conditions:
Adenylosuccinate lyase deficiency (ADSLD). Also called: ADSL DEFICIENCY. Identifiers: Orphanet 46, MedGen C0268126, MONDO:0007068, OMIM 103050.

Allele frequency attached by ClinVar (database versions not stated): TOPMed 0.00002; ESP Exome Variant Server 0.00008; gnomAD exomes below 0.00001 and 0.00001; ExAC 0.00001; gnomAD 0.00001.
gnomAD v4.1: 7 of 1,613,810 alleles (0.00043%); highest among the groups gnomAD compares: Middle Eastern, 0.016%; no homozygotes.

Submissions (2):

First Genomix Gene Laboratory, Genetic Diagnostics Department
Classification: Likely pathogenic for Adenylosuccinate lyase deficiency. Last evaluated: 2025-12-26. Review status: criteria provided, single submitter. Criteria: ACMG Guidelines, 2015. Collection method: clinical testing. Allele origin: germline. Inheritance: Autosomal recessive inheritance. Affected: no. Observed: 1 variant allele.

Labcorp Genetics (formerly Invitae), Labcorp
Classification: Likely pathogenic for Adenylosuccinate lyase deficiency. Last evaluated: 2025-08-16. Review status: criteria provided, single submitter. Criteria: Invitae Variant Classification Sherloc (09022015). Collection method: clinical testing. Allele origin: germline.
Comment: This sequence change replaces valine, which is neutral and non-polar, with methionine, which is neutral and non-polar, at codon 364 of the ADSL protein (p.Val364Met). This variant is present in population databases (rs370851726, gnomAD 0.002%). This missense change has been observed in individual(s) with clinical features of adenylosuccinate lyase (ADSL) deficiency (PMID: 12368987; internal data). ClinVar contains an entry for this variant (Variation ID: 1474309). Invitae Evidence Modeling of protein sequence and biophysical properties (such as structural, functional, and spatial information, amino acid conservation, physicochemical variation, residue mobility, and thermodynamic stability) indicates that this missense variant is expected to disrupt ADSL protein function with a positive predictive value of 80%. In summary, the currently available evidence indicates that the variant is pathogenic, but additional data are needed to prove that conclusively. Therefore, this variant has been classified as Likely Pathogenic.

Literature cited by the submitters: PubMed 12368987 (cited by Labcorp Genetics (formerly Invitae), Labcorp).